The following is an entry in ClinVar:

NM_015175.3(NBEAL2):c.3938C>G (p.Pro1313Arg)

Gene: NBEAL2 (neurobeachin like 2; plus strand). Cytogenetic location: 3p21.31.
Variant type: single nucleotide variant.
Coding change: c.3938C>G on transcript NM_015175.3 (MANE Select); coding-DNA position 3938, C replaced by G.
Protein change: p.Pro1313Arg; replaces proline 1313 with arginine.
Molecular consequence: missense variant.
Genome position (GRCh38, 1-based): chr3:47,000,037, C>G. VCF-style: chr3-47000037-C-G. GRCh37 (hg19) VCF-style: chr3-47041527-C-G.
Other names: p.Pro1313Arg; c.3836C>G, p.Pro1279Arg (NM_001365116.2); short protein forms P1279R, P1313R.
Identifiers: ClinVar variation 3179127 (VCV003179127.2), dbSNP rs752514114, ClinGen allele CA2361115.

ClinVar aggregate classification (germline): Uncertain significance. Review status: criteria provided, multiple submitters, no conflicts (2 of 4 stars). 2 submissions from 2 submitters: Uncertain significance (2). Last evaluated 2025-05-12.

Conditions:
Inborn genetic diseases. Identifiers: MedGen C0950123, MeSH D030342.

Allele frequency attached by ClinVar (database versions not stated): ExAC 0.00005; gnomAD 0.00007; TOPMed 0.00012; gnomAD exomes 0.00016.
gnomAD v4.1: 252 of 1,613,172 alleles (0.016%); highest among the groups gnomAD compares: Non-Finnish European, 0.019%; 1 homozygote.

Submissions (2):

Mayo Clinic Laboratories, Mayo Clinic
Classification: Uncertain significance. Last evaluated: 2025-05-12. Review status: criteria provided, single submitter. Criteria: ACMG Guidelines, 2015. Collection method: clinical testing. Allele origin: germline. Observed: 1 variant allele.
Comment: BP4_moderate

Ambry Genetics
Classification: Uncertain significance for Inborn genetic diseases. Last evaluated: 2023-12-11. Review status: criteria provided, single submitter. Criteria: Ambry Variant Classification Scheme 2023. Collection method: clinical testing. Allele origin: germline.